The following is an entry in ClinVar:

ClinVar aggregate classification (germline): Benign. Review status: criteria provided, multiple submitters, no conflicts (2 of 4 stars). 3 submissions from 3 submitters: Benign (3). Last evaluated 2024-01-24.

Allele frequency attached by ClinVar (database versions not stated): gnomAD 0.36504 and 0.37302; TOPMed 0.38140; 1000 Genomes Project 0.40196; 1000 Genomes Project 30x 0.41115.
gnomAD v4.1: 403,543 of 1,491,864 alleles (27%); highest among the groups gnomAD compares: African/African-American, 65%; 61,862 homozygotes.

Submissions (3):

Unidad de Genómica Garrahan, Hospital de Pediatría Garrahan
Classification: Benign. Last evaluated: 2024-01-24. Review status: criteria provided, single submitter. Criteria: ACMG Guidelines, 2015. Collection method: clinical testing. Allele origin: germline. Affected: no. Observed: 29 variant alleles.
Comment: This variant is classified as Benign based on local population frequency. This variant was detected in 33% of patients studied by a panel of primary immunodeficiencies. Number of patients: 29. Only high quality variants are reported.

GeneDx
Classification: Benign. Last evaluated: 2018-06-23. Review status: criteria provided, single submitter. Criteria: GeneDx Variant Classification Process June 2021. Collection method: clinical testing. Allele origin: germline. Affected: yes.

Breakthrough Genomics
Classification: Benign. Review status: criteria provided, single submitter. Criteria: ACMG Guidelines, 2015. Collection method: not provided. Allele origin: germline. Inheritance: Autosomal dominant inheritance. Affected: yes.

NM_000138.5(FBN1):c.1588+109C>T

Gene: FBN1 (fibrillin 1; minus strand). Cytogenetic location: 15q21.1.
Variant type: single nucleotide variant.
Coding change: c.1588+109C>T on transcript NM_000138.5 (MANE Select); 109 bases into the intron after coding-DNA position 1588, C replaced by T.
Molecular consequence: intron variant.
Genome position (GRCh38, 1-based): chr15:48,513,440, G>A on the plus strand (C>T on the coding strand, the complement: FBN1 is on the minus strand). VCF-style: chr15-48513440-G-A. GRCh37 (hg19) VCF-style: chr15-48805637-G-A.
Identifiers: ClinVar variation 1183333 (VCV001183333.5), dbSNP rs2306352, ClinGen allele CA14117747.